The following is an entry in ClinVar:

NR_046473.1(MEG3):n.4715A>G

Gene: MEG3 (maternally expressed 3; plus strand). Cytogenetic location: 14q32.2.
Variant type: single nucleotide variant.
Molecular consequence: non-coding transcript variant (on NR_046473.1).
Genome position: GRCh38 VCF-style: chr14-100849331-A-G. GRCh37 (hg19) VCF-style: chr14-101315668-A-G.
Identifiers: ClinVar variation 3057216 (VCV003057216.2), dbSNP rs4906023, ClinGen allele CA13950406.

ClinVar aggregate classification (germline): Benign (0 of 4 stars; one submission).

Conditions:
MEG3-related disorder. Also called: MEG3-related condition.

Allele frequency attached by ClinVar (database versions not stated): 1000 Genomes Project 30x 0.44738; 1000 Genomes Project 0.44808; TOPMed 0.51711; gnomAD exomes 1.00000.
gnomAD v4.1: 78,908 of 152,032 alleles (52%); highest among the groups gnomAD compares: Admixed American, 65%; 21,592 homozygotes.

Submission:

PreventionGenetics, part of Exact Sciences
Classification: Benign for MEG3-related condition. Last evaluated: 2019-10-31. Review status: no assertion criteria provided. Collection method: clinical testing. Allele origin: germline.
Comment: This variant is classified as benign based on ACMG/AMP sequence variant interpretation guidelines (Richards et al. 2015 PMID: 25741868, with internal and published modifications).